The following is an entry in ClinVar:

NM_001999.4(FBN2):c.6022A>C (p.Thr2008Pro)

Gene: FBN2 (fibrillin 2; minus strand). Cytogenetic location: 5q23.3.
Variant type: single nucleotide variant.
Coding change: c.6022A>C on transcript NM_001999.4 (MANE Select); coding-DNA position 6022, A replaced by C.
Protein change: p.Thr2008Pro; replaces threonine 2008 with proline.
Molecular consequence: missense variant.
Genome position (GRCh38, 1-based): chr5:128,301,406, T>G on the plus strand (A>C on the coding strand, the complement: FBN2 is on the minus strand). VCF-style: chr5-128301406-T-G. GRCh37 (hg19) VCF-style: chr5-127637098-T-G.
Other names: short protein forms T2008P.
Identifiers: ClinVar variation 3673369 (VCV003673369.2).

ClinVar aggregate classification (germline): Uncertain significance (1 of 4 stars; one submission).

Conditions:
Congenital contractural arachnodactyly (CCA). Also called: BEALS SYNDROME; Beals-Hecht syndrome; Arthrogryposis, distal, type 9. Identifiers: Orphanet 115, MedGen C0220668, MONDO:0007363, OMIM 121050.

gnomAD v4.1: 14 of 1,613,370 alleles (0.00087%); highest among the groups gnomAD compares: Non-Finnish European, 0.0012%; no homozygotes.

Submission:

Labcorp Genetics (formerly Invitae), Labcorp
Classification: Uncertain significance for Congenital contractural arachnodactyly. Last evaluated: 2024-07-08. Review status: criteria provided, single submitter. Criteria: Invitae Variant Classification Sherloc (09022015). Collection method: clinical testing. Allele origin: germline.
Comment: This sequence change replaces threonine, which is neutral and polar, with proline, which is neutral and non-polar, at codon 2008 of the FBN2 protein (p.Thr2008Pro). This variant is present in population databases (rs370036244, gnomAD 0.002%). This variant has not been reported in the literature in individuals affected with FBN2-related conditions. Advanced modeling of protein sequence and biophysical properties (such as structural, functional, and spatial information, amino acid conservation, physicochemical variation, residue mobility, and thermodynamic stability) performed at Invitae indicates that this missense variant is not expected to disrupt FBN2 protein function with a negative predictive value of 80%. In summary, the available evidence is currently insufficient to determine the role of this variant in disease. Therefore, it has been classified as a Variant of Uncertain Significance.